The following is an entry in ClinVar:

NM_002435.3(MPI):c.436C>T (p.Gln146Ter)

Gene: MPI (mannose phosphate isomerase; plus strand). Cytogenetic location: 15q24.1.
Variant type: single nucleotide variant.
Coding change: c.436C>T on transcript NM_002435.3 (MANE Select); coding-DNA position 436, C replaced by T.
Protein change: p.Gln146Ter; replaces glutamine 146 with a stop codon.
Molecular consequence: nonsense.
Genome position (GRCh38, 1-based): chr15:74,892,751, C>T. VCF-style: chr15-74892751-C-T. GRCh37 (hg19) VCF-style: chr15-75185092-C-T.
Other names: c.436C>T, p.Gln146Ter (NM_001289155.2, NM_001289157.2); c.286C>T, p.Gln96Ter (NM_001289156.2); c.376C>T, p.Gln126Ter (NM_001330372.2); short protein forms Q126*, Q146*, Q96*.
Identifiers: ClinVar variation 3239736 (VCV003239736.2), dbSNP rs2505815768.

ClinVar aggregate classification (germline): Pathogenic/Likely pathogenic. Review status: criteria provided, multiple submitters, no conflicts (2 of 4 stars). 2 submissions from 2 submitters: Pathogenic (1); Likely pathogenic (1). Last evaluated 2026-06-08.

Conditions:
MPI-congenital disorder of glycosylation. Also called: CONGENITAL DISORDER OF GLYCOSYLATION, TYPE Ib; CDG Ib; MANNOSEPHOSPHATE ISOMERASE DEFICIENCY; PROTEIN-LOSING ENTEROPATHY-HEPATIC FIBROSIS SYNDROME; MPI-CDG; MPI DEFICIENCY. Identifiers: Orphanet 79319, MedGen C1865145, MONDO:0011257, OMIM 602579.

Submissions (2):

Myriad Genetics, Inc.
Classification: Pathogenic for MPI-congenital disorder of glycosylation. Last evaluated: 2026-06-08. Review status: criteria provided, single submitter. Criteria: Myriad Autosomal Dominant, Autosomal Recessive and X-Linked Classification Criteria (2023). Collection method: clinical testing. Allele origin: unknown.
Comment: NM_002435.1(MPI):c.436C>T(Q146*) is expected to be pathogenic in the context of congenital disorder of glycosylation, MPI-related. This variant is predicted to lead to an abnormal or absent protein product due to the creation of a premature termination codon in MPI, a gene where loss-of-function variants are known to be pathogenic. Please note: this variant was assessed in the context of healthy population screening.

Baylor Genetics
Classification: Likely pathogenic for MPI-congenital disorder of glycosylation. Last evaluated: 2024-03-23. Review status: criteria provided, single submitter. Criteria: ACMG Guidelines, 2015. Collection method: clinical testing. Allele origin: unknown.